The following is an entry in ClinVar:

ClinVar aggregate classification (germline): Likely benign (1 of 4 stars; one submission).

gnomAD v4.1: 958 of 985,258 alleles (0.097%); highest among the groups gnomAD compares: African/African-American, 1.2%; 6 homozygotes.

Submission:

CeGaT Center for Human Genetics Tuebingen
Classification: Likely benign. Last evaluated: 2026-07-01. Review status: criteria provided, single submitter. Criteria: CeGaT Center For Human Genetics Tuebingen Variant Classification Criteria Version 2. Collection method: clinical testing. Allele origin: germline. Affected: yes. Observed: 3 variant alleles.
Comment: DARS2: BS1

NM_018122.5(DARS2):c.1344+1396C>A

Gene: DARS2 (aspartyl-tRNA synthetase 2, mitochondrial; plus strand). Cytogenetic location: 1q25.1.
Variant type: single nucleotide variant.
Coding change: c.1344+1396C>A on transcript NM_018122.5 (MANE Select); 1396 bases into the intron after coding-DNA position 1344, C replaced by A.
Molecular consequence: intron variant. On other transcripts: missense variant (1).
Genome position (GRCh38, 1-based): chr1:173,851,875, C>A. VCF-style: chr1-173851875-C-A. GRCh37 (hg19) VCF-style: chr1-173821013-C-A.
Other names: c.1384C>A, p.Pro462Thr (NM_001365213.2); c.1192-1474C>A (NM_001365212.1); short protein forms P462T.
Identifiers: ClinVar variation 4873298 (VCV004873298.2).